The following is an entry in ClinVar:

ClinVar aggregate classification (germline): Uncertain significance (1 of 4 stars; one submission).

Conditions:
Charcot-Marie-Tooth disease recessive intermediate C. Also called: CHARCOT-MARIE-TOOTH NEUROPATHY, RECESSIVE INTERMEDIATE C. Identifiers: Orphanet 369867, MedGen C3809309, MONDO:0014154, OMIM 615376.
Neuronopathy, distal hereditary motor, autosomal recessive 4. Also called: Autosomal recessive lower motor neuron disease with childhood onset; NEUROPATHY, DISTAL HEREDITARY MOTOR, AUTOSOMAL RECESSIVE 4. Identifiers: Orphanet 206580, MedGen C1970211, MONDO:0012608, OMIM 611067.

Submission:

Labcorp Genetics (formerly Invitae), Labcorp
Classification: Uncertain significance for Neuronopathy, distal hereditary motor, autosomal recessive 4; Charcot-Marie-Tooth disease recessive intermediate C. Last evaluated: 2022-02-06. Review status: criteria provided, single submitter. Criteria: Invitae Variant Classification Sherloc (09022015). Collection method: clinical testing. Allele origin: germline.
Comment: This sequence change replaces serine, which is neutral and polar, with glycine, which is neutral and non-polar, at codon 590 of the PLEKHG5 protein (p.Ser590Gly). This variant is not present in population databases (gnomAD no frequency). This variant has not been reported in the literature in individuals affected with PLEKHG5-related conditions. Algorithms developed to predict the effect of missense changes on protein structure and function (SIFT, PolyPhen-2, Align-GVGD) all suggest that this variant is likely to be tolerated. In summary, the available evidence is currently insufficient to determine the role of this variant in disease. Therefore, it has been classified as a Variant of Uncertain Significance.

NM_020631.6(PLEKHG5):c.1768A>G (p.Ser590Gly)

Gene: PLEKHG5 (pleckstrin homology and RhoGEF domain containing G5; minus strand). Cytogenetic location: 1p36.31.
Variant type: single nucleotide variant.
Coding change: c.1768A>G on transcript NM_020631.6 (MANE Select); coding-DNA position 1768, A replaced by G.
Protein change: p.Ser590Gly; replaces serine 590 with glycine.
Molecular consequence: missense variant.
Genome position (GRCh38, 1-based): chr1:6,470,268, T>C on the plus strand (A>G on the coding strand, the complement: PLEKHG5 is on the minus strand). VCF-style: chr1-6470268-T-C. GRCh37 (hg19) VCF-style: chr1-6530328-T-C.
Other names: c.1879A>G, p.Ser627Gly (NM_001042663.3, NM_001265592.2); c.1768A>G, p.Ser590Gly (NM_001042664.2, NM_001042665.2, NM_001265594.3 and 1 more transcripts); c.1975A>G, p.Ser659Gly (NM_001265593.2); short protein forms S659G, S590G, S627G.
Identifiers: ClinVar variation 1907646 (VCV001907646.5), dbSNP rs1569849261, ClinGen allele CA338123177.